The following is an entry in ClinVar:

ClinVar aggregate classification (germline): Pathogenic (1 of 4 stars; one submission).

Conditions:
Aicardi-Goutieres syndrome 5. Identifiers: Orphanet 51, MedGen C2749659, MONDO:0013059, OMIM 612952.

Submission:

Labcorp Genetics (formerly Invitae), Labcorp
Classification: Pathogenic for Aicardi-Goutieres syndrome 5. Last evaluated: 2024-03-11. Review status: criteria provided, single submitter. Criteria: Invitae Variant Classification Sherloc (09022015). Collection method: clinical testing. Allele origin: germline.
Comment: This sequence change creates a premature translational stop signal (p.Cys177Trpfs*9) in the SAMHD1 gene. It is expected to result in an absent or disrupted protein product. Loss-of-function variants in SAMHD1 are known to be pathogenic (PMID: 19525956, 22461318). This variant is not present in population databases (gnomAD no frequency). This variant has not been reported in the literature in individuals affected with SAMHD1-related conditions. For these reasons, this variant has been classified as Pathogenic.

Literature cited by the submitters: PubMed 19525956; PubMed 22461318.

NM_015474.4(SAMHD1):c.527_530dup (p.Cys177fs)

Gene: SAMHD1 (SAM and HD domain containing deoxynucleoside triphosphate triphosphohydrolase 1; minus strand). Cytogenetic location: 20q11.23.
Variant type: Duplication.
Coding change: c.527_530dup on transcript NM_015474.4 (MANE Select); coding-DNA positions 527 to 530, 4 bases duplicated (GATG; older notation c.527_530dupGATG).
Protein change: p.Cys177fs; shifts the reading frame from cysteine 177.
Molecular consequence: frameshift variant.
Genome position (GRCh38, 1-based): chr20:36,930,855-36,930,858, CATC duplicated on the plus strand (GATG on the coding strand, the reverse complement: SAMHD1 is on the minus strand); duplicating any 4 consecutive bases within chr20:36,930,855-36,930,859 gives the same sequence; the c. name uses the placement nearest the transcript's 3' end. VCF-style (leftmost placement, unchanged base first): chr20-36930854-A-ACATC. GRCh37 (hg19) VCF-style: chr20-35559257-A-ACATC.
Other names: c.527_530dup, p.Cys177fs (NM_001363729.2, NM_001363733.2); short protein forms C177fs.
Identifiers: ClinVar variation 3645398 (VCV003645398.2).